The following is an entry in ClinVar:

NM_000234.3(LIG1):c.630A>C (p.Glu210Asp)

Gene: LIG1 (DNA ligase 1; minus strand). Cytogenetic location: 19q13.33.
Variant type: single nucleotide variant.
Coding change: c.630A>C on transcript NM_000234.3 (MANE Select); coding-DNA position 630, A replaced by C.
Protein change: p.Glu210Asp; replaces glutamic acid 210 with aspartic acid.
Molecular consequence: missense variant. On other transcripts: non-coding transcript variant (6).
Genome position (GRCh38, 1-based): chr19:48,150,155, T>G on the plus strand (A>C on the coding strand, the complement: LIG1 is on the minus strand). VCF-style: chr19-48150155-T-G. GRCh37 (hg19) VCF-style: chr19-48653412-T-G.
Other names: c.630A>C (NM_000234.1); c.537A>C, p.Glu179Asp (NM_001289063.2); c.426A>C, p.Glu142Asp (NM_001289064.2); c.627A>C, p.Glu209Asp (NM_001320970.2); c.540A>C, p.Glu180Asp (NM_001320971.2); short protein forms E209D, E210D, E142D, E179D, E180D.
Identifiers: ClinVar variation 1355980 (VCV001355980.6), dbSNP rs146614254, ClinGen allele CA9547193.

ClinVar aggregate classification (germline): Uncertain significance. Review status: criteria provided, multiple submitters, no conflicts (2 of 4 stars). 2 submissions from 2 submitters: Uncertain significance (2). Last evaluated 2025-07-09.

Allele frequency attached by ClinVar (database versions not stated): ExAC 0.00006; gnomAD exomes 0.00008; ESP Exome Variant Server 0.00015; gnomAD 0.00019 and 0.00020; TOPMed 0.00030; 1000 Genomes Project 0.00060; 1000 Genomes Project 30x 0.00062.
gnomAD v4.1: 72 of 1,614,188 alleles (0.0045%); highest among the groups gnomAD compares: African/African-American, 0.092%; no homozygotes.

Submissions (2):

Labcorp Genetics (formerly Invitae), Labcorp
Classification: Uncertain significance. Last evaluated: 2025-07-09. Review status: criteria provided, single submitter. Criteria: Invitae Variant Classification Sherloc (09022015). Collection method: clinical testing. Allele origin: germline.
Comment: This sequence change replaces glutamic acid, which is acidic and polar, with aspartic acid, which is acidic and polar, at codon 210 of the LIG1 protein (p.Glu210Asp). This variant is present in population databases (rs146614254, gnomAD 0.1%). This variant has not been reported in the literature in individuals affected with LIG1-related conditions. ClinVar contains an entry for this variant (Variation ID: 1355980). An algorithm developed to predict the effect of missense changes on protein structure and function (PolyPhen-2) suggests that this variant is likely to be tolerated. In summary, the available evidence is currently insufficient to determine the role of this variant in disease. Therefore, it has been classified as a Variant of Uncertain Significance.

Ambry Genetics
Classification: Uncertain significance. Last evaluated: 2024-11-10. Review status: criteria provided, single submitter. Criteria: Ambry Variant Classification Scheme 2023. Collection method: clinical testing. Allele origin: germline.